The following is an entry in ClinVar:

ClinVar aggregate classification (germline): Uncertain significance (1 of 4 stars; one submission).

Allele frequency attached by ClinVar (database versions not stated): TOPMed below 0.00001; gnomAD 0.00001; gnomAD exomes 0.00001.
gnomAD v4.1: 10 of 1,613,924 alleles (0.00062%); highest among the groups gnomAD compares: Non-Finnish European, 0.00085%; no homozygotes.

Submission:

GeneDx
Classification: Uncertain significance. Last evaluated: 2014-03-20. Review status: criteria provided, single submitter. Criteria: GeneDx Variant Classification (06012015). Collection method: clinical testing. Allele origin: germline. Affected: yes.
Comment: The H261D variant has not been published as a mutation, nor has it been reported as a benign polymorphism to our knowledge. The H261D variant was not observed in approximately 6,500 individuals of European and African American ancestry in the NHLBI Exome Sequencing Project, indicating it is not a common benign variant in these populations. The H261D variant is a non-conservative amino acid substitution, which is likely to impact secondary protein structure as these residues differ in polarity, charge, size and/or other properties. This substitution occurs at a position that is conserved across species. However, in silico analysis is inconsistent in its predictions as to whether or not the variant is damaging to the protein structure/function. Therefore, based on the currently available information, it is unclear whether this variant is a pathogenic mutation or a rare benign variant.

NM_001375808.2(LPIN2):c.781C>G (p.His261Asp)

Gene: LPIN2 (lipin 2; minus strand). Cytogenetic location: 18p11.31.
Variant type: single nucleotide variant.
Coding change: c.781C>G on transcript NM_001375808.2 (MANE Select); coding-DNA position 781, C replaced by G.
Protein change: p.His261Asp; replaces histidine 261 with aspartic acid.
Molecular consequence: missense variant.
Genome position (GRCh38, 1-based): chr18:2,939,521, G>C on the plus strand (C>G on the coding strand, the complement: LPIN2 is on the minus strand). VCF-style: chr18-2939521-G-C. GRCh37 (hg19) VCF-style: chr18-2939519-G-C.
Other names: c.781C>G, p.His261Asp (NM_001375809.1, NM_014646.2); short protein forms H261D.
Identifiers: ClinVar variation 234330 (VCV000234330.2), dbSNP rs876660984, ClinGen allele CA10577584.